The following is an entry in ClinVar:

NM_020297.4(ABCC9):c.1645G>T (p.Ala549Ser)

Gene: ABCC9 (ATP binding cassette subfamily C member 9; minus strand). Cytogenetic location: 12p12.1.
Variant type: single nucleotide variant.
Coding change: c.1645G>T on transcript NM_020297.4 (MANE Select); coding-DNA position 1645, G replaced by T.
Protein change: p.Ala549Ser; replaces alanine 549 with serine.
Molecular consequence: missense variant.
Genome position (GRCh38, 1-based): chr12:21,895,289, C>A on the plus strand (G>T on the coding strand, the complement: ABCC9 is on the minus strand). VCF-style: chr12-21895289-C-A. GRCh37 (hg19) VCF-style: chr12-22048223-C-A.
Other names: c.1645G>T, p.Ala549Ser (NM_001377273.1, NM_005691.4); c.781G>T, p.Ala261Ser (NM_001377274.1); short protein forms A261S, A549S.
Identifiers: ClinVar variation 3671510 (VCV003671510.2).

ClinVar aggregate classification (germline): Uncertain significance (1 of 4 stars; one submission).

Conditions:
Dilated cardiomyopathy 1O (CMD1O). Also called: CARDIOMYOPATHY, DILATED, WITH VENTRICULAR TACHYCARDIA. Identifiers: Orphanet 154, MedGen C1837839, MONDO:0012062, OMIM 608569.

gnomAD v4.1: 1 of 1,613,686 alleles (0.000062%); highest among the groups gnomAD compares: Non-Finnish European, 0.000085%; no homozygotes.

Submission:

Labcorp Genetics (formerly Invitae), Labcorp
Classification: Uncertain significance for Dilated cardiomyopathy 1O. Last evaluated: 2024-06-02. Review status: criteria provided, single submitter. Criteria: Invitae Variant Classification Sherloc (09022015). Collection method: clinical testing. Allele origin: germline.
Comment: This sequence change replaces alanine, which is neutral and non-polar, with serine, which is neutral and polar, at codon 549 of the ABCC9 protein (p.Ala549Ser). This variant is not present in population databases (gnomAD no frequency). This variant has not been reported in the literature in individuals affected with ABCC9-related conditions. Advanced modeling of protein sequence and biophysical properties (such as structural, functional, and spatial information, amino acid conservation, physicochemical variation, residue mobility, and thermodynamic stability) has been performed at Invitae for this missense variant, however the output from this modeling did not meet the statistical confidence thresholds required to predict the impact of this variant on ABCC9 protein function. In summary, the available evidence is currently insufficient to determine the role of this variant in disease. Therefore, it has been classified as a Variant of Uncertain Significance.